The following is an entry in ClinVar:

NM_003573.2(LTBP4):c.79C>T (p.Leu27=)

Gene: LTBP4 (latent transforming growth factor beta binding protein 4; plus strand). Cytogenetic location: 19q13.2.
Variant type: single nucleotide variant.
Coding change: c.79C>T on transcript NM_003573.2; coding-DNA position 79, C replaced by T.
Protein change: p.Leu27=; no amino-acid change (leucine 27 retained).
Molecular consequence: synonymous variant. On other transcripts: intron variant (1).
Genome position (GRCh38, 1-based): chr19:40,599,405, C>T. VCF-style: chr19-40599405-C-T. GRCh37 (hg19) VCF-style: chr19-41105311-C-T.
Other names: c.206-16C>T (NM_001042544.1).
Identifiers: ClinVar variation 329298 (VCV000329298.37), dbSNP rs370696272, ClinGen allele CA9447935.

ClinVar aggregate classification (germline): Benign/Likely benign. Review status: criteria provided, multiple submitters, no conflicts (2 of 4 stars). 5 submissions from 5 submitters: Benign (3); Likely benign (2). Last evaluated 2026-01-27.

Conditions:
Cutis laxa with severe pulmonary, gastrointestinal and urinary anomalies. Also called: LTBP4-Related Cutis Laxa; Cutis laxa, autosomal recessive, type IC; URBAN-RIFKIN-DAVIS SYNDROME. Identifiers: Orphanet 221145, MedGen C2750804, MONDO:0013170, OMIM 613177. Disease mechanism: loss of function.

Allele frequency attached by ClinVar (database versions not stated): ESP Exome Variant Server 0.00278; TOPMed 0.00339; 1000 Genomes Project 0.00359; gnomAD 0.00334 and 0.00357; gnomAD exomes 0.00081; ExAC 0.00109; 1000 Genomes Project 30x 0.00375.
gnomAD v4.1: 967 of 1,612,694 alleles (0.06%); highest among the groups gnomAD compares: African/African-American, 1.2%; 2 homozygotes.

Submissions (5):

Labcorp Genetics (formerly Invitae), Labcorp
Classification: Benign. Last evaluated: 2026-01-27. Review status: criteria provided, single submitter. Criteria: Invitae Variant Classification Sherloc (09022015). Collection method: clinical testing. Allele origin: germline.

Blueprint Genetics
Classification: Likely benign. Last evaluated: 2024-02-12. Review status: criteria provided, single submitter. Criteria: ACMG Guidelines, 2015. Collection method: clinical testing. Allele origin: germline.

CeGaT Center for Human Genetics Tuebingen
Classification: Likely benign. Last evaluated: 2024-01-01. Review status: criteria provided, single submitter. Criteria: CeGaT Center For Human Genetics Tuebingen Variant Classification Criteria Version 2. Collection method: clinical testing. Allele origin: germline. Affected: yes. Observed: 1 variant allele.
Comment: LTBP4: BP4, BP7, BS1

GeneDx
Classification: Benign. Last evaluated: 2019-11-26. Review status: criteria provided, single submitter. Criteria: GeneDx Variant Classification Process June 2021. Collection method: clinical testing. Allele origin: germline. Affected: yes.

Illumina Laboratory Services, Illumina
Classification: Benign for Cutis laxa with severe pulmonary, gastrointestinal and urinary anomalies. Last evaluated: 2018-01-13. Review status: criteria provided, single submitter. Criteria: ICSL Variant Classification Criteria 13 December 2019. Collection method: clinical testing. Allele origin: germline.
Comment: This variant was observed in the ICSL laboratory as part of a predisposition screen in an ostensibly healthy population. It had not been previously curated by ICSL or reported in the Human Gene Mutation Database (HGMD: prior to June 1st, 2018), and was therefore a candidate for classification through an automated scoring system. Utilizing variant allele frequency, disease prevalence and penetrance estimates, and inheritance mode, an automated score was calculated to assess if this variant is too frequent to cause the disease. Based on the score and internal cut-off values, a variant classified as benign is not then subjected to further curation. The score for this variant resulted in a classification of benign for this disease.